The following is an entry in ClinVar:

NM_001134363.3(RBM20):c.151C>T (p.Pro51Ser)

Gene: RBM20 (RNA binding motif protein 20; plus strand). Cytogenetic location: 10q25.2.
Variant type: single nucleotide variant.
Coding change: c.151C>T on transcript NM_001134363.3 (MANE Select); coding-DNA position 151, C replaced by T.
Protein change: p.Pro51Ser; replaces proline 51 with serine.
Molecular consequence: missense variant.
Genome position (GRCh38, 1-based): chr10:110,644,605, C>T. VCF-style: chr10-110644605-C-T. GRCh37 (hg19) VCF-style: chr10-112404363-C-T.
Other names: c.151C>T (NM_001134363.1); short protein forms P51S.
Identifiers: ClinVar variation 1401814 (VCV001401814.8), dbSNP rs1861841530, ClinGen allele CA378527875.
Genomic context (GRCh38, chr10:110,644,605, plus strand): 5'-GCGTCCCCGGCACCCTCCGGCCCGCGAGGGATGCAGCAGCCGCCGCCGCCGCCCCAGCCA[C>T]CGCCCCCGCCCCAAGCCGGCCTACCCCAGATCATCCAAAAGTAAGAAGGGAGAAGGGAAC-3'
Protein context (NP_001127835.2, residues 41-61): MQQPPPPPQP[Pro51Ser]PPPQAGLPQI

ClinVar aggregate classification (germline): Uncertain significance. Review status: criteria provided, multiple submitters, no conflicts (2 of 4 stars). 2 submissions from 2 submitters: Uncertain significance (2). Last evaluated 2025-07-15.

Conditions:
Dilated cardiomyopathy 1DD (CMD1DD). Identifiers: Orphanet 154, MedGen C2750995, MONDO:0013168, OMIM 613172.
Cardiovascular phenotype. Identifiers: MedGen CN230736.

Allele frequency attached by ClinVar (database versions not stated): gnomAD exomes below 0.00001.
gnomAD v4.1: 1 of 1,519,434 alleles (0.000066%); highest among the groups gnomAD compares: South Asian, 0.0012%; no homozygotes.

Submissions (2):

Ambry Genetics
Classification: Uncertain significance for Cardiovascular phenotype. Last evaluated: 2025-07-15. Review status: criteria provided, single submitter. Criteria: Ambry Variant Classification Scheme 2023. Collection method: clinical testing. Allele origin: germline.

Labcorp Genetics (formerly Invitae), Labcorp
Classification: Uncertain significance for Dilated cardiomyopathy 1DD. Last evaluated: 2021-07-31. Review status: criteria provided, single submitter. Criteria: Invitae Variant Classification Sherloc (09022015). Collection method: clinical testing. Allele origin: germline.
Comment: This sequence change replaces proline with serine at codon 51 of the RBM20 protein (p.Pro51Ser). The proline residue is weakly conserved and there is a moderate physicochemical difference between proline and serine. While this variant is not present in population databases, the frequency information is unreliable, as metrics indicate poor data quality at this position in the ExAC database. This variant has not been reported in the literature in individuals with RBM20-related disease. Algorithms developed to predict the effect of missense changes on protein structure and function are either unavailable or do not agree on the potential impact of this missense change (SIFT: "Not Available"; PolyPhen-2: "Benign"; Align-GVGD: "Class C0"). In summary, the available evidence is currently insufficient to determine the role of this variant in disease. Therefore, it has been classified as a Variant of Uncertain Significance.